The following is an entry in ClinVar:

NM_024854.5(PYROXD1):c.832A>C (p.Lys278Gln)

Gene: PYROXD1 (pyridine nucleotide-disulphide oxidoreductase domain 1; plus strand). Cytogenetic location: 12p12.1.
Variant type: single nucleotide variant.
Coding change: c.832A>C on transcript NM_024854.5 (MANE Select); coding-DNA position 832, A replaced by C.
Protein change: p.Lys278Gln; replaces lysine 278 with glutamine.
Molecular consequence: missense variant.
Genome position (GRCh38, 1-based): chr12:21,461,106, A>C. VCF-style: chr12-21461106-A-C. GRCh37 (hg19) VCF-style: chr12-21614040-A-C.
Other names: c.619A>C, p.Lys207Gln (NM_001350912.2); c.55A>C, p.Lys19Gln (NM_001350913.2); short protein forms K19Q, K207Q, K278Q.
Identifiers: ClinVar variation 1445672 (VCV001445672.3), dbSNP rs143382438, ClinGen allele CA6478342.

ClinVar aggregate classification (germline): Uncertain significance (1 of 4 stars; one submission).

Allele frequency attached by ClinVar (database versions not stated): gnomAD 0.00010 and 0.00011; ExAC 0.00012; TOPMed 0.00013; gnomAD exomes 0.00015 and 0.00028; ESP Exome Variant Server 0.00023.
gnomAD v4.1: 413 of 1,591,946 alleles (0.026%); highest among the groups gnomAD compares: Non-Finnish European, 0.034%; no homozygotes.

Submission:

Labcorp Genetics (formerly Invitae), Labcorp
Classification: Uncertain significance. Last evaluated: 2022-08-22. Review status: criteria provided, single submitter. Criteria: Invitae Variant Classification Sherloc (09022015). Collection method: clinical testing. Allele origin: germline.
Comment: This sequence change replaces lysine, which is basic and polar, with glutamine, which is neutral and polar, at codon 278 of the PYROXD1 protein (p.Lys278Gln). This variant is present in population databases (rs143382438, gnomAD 0.03%). This variant has not been reported in the literature in individuals affected with PYROXD1-related conditions. ClinVar contains an entry for this variant (Variation ID: 1445672). Algorithms developed to predict the effect of missense changes on protein structure and function (SIFT, PolyPhen-2, Align-GVGD) all suggest that this variant is likely to be tolerated. In summary, the available evidence is currently insufficient to determine the role of this variant in disease. Therefore, it has been classified as a Variant of Uncertain Significance.